The following is an entry in ClinVar:

ClinVar aggregate classification (germline): Uncertain significance (1 of 4 stars; one submission).

Conditions:
Glycogen storage disease IXb (GSD9B). Also called: PHOSPHORYLASE KINASE DEFICIENCY OF LIVER AND MUSCLE, AUTOSOMAL RECESSIVE; GLYCOGENOSIS OF LIVER AND MUSCLE, AUTOSOMAL RECESSIVE; GSD IXb. Identifiers: Orphanet 79240, MedGen C0543514, MONDO:0009868, OMIM 261750.

Allele frequency attached by ClinVar (database versions not stated): gnomAD exomes below 0.00001.
gnomAD v4.1: 2 of 1,508,338 alleles (0.00013%); highest among the groups gnomAD compares: Admixed American, 0.0033%; no homozygotes.

Submission:

Labcorp Genetics (formerly Invitae), Labcorp
Classification: Uncertain significance for Glycogen storage disease IXb. Last evaluated: 2022-06-12. Review status: criteria provided, single submitter. Criteria: Invitae Variant Classification Sherloc (09022015). Collection method: clinical testing. Allele origin: germline.
Comment: In summary, the available evidence is currently insufficient to determine the role of this variant in disease. Therefore, it has been classified as a Variant of Uncertain Significance. Algorithms developed to predict the effect of missense changes on protein structure and function are either unavailable or do not agree on the potential impact of this missense change (SIFT: "Deleterious"; PolyPhen-2: "Probably Damaging"; Align-GVGD: "Class C0"). This variant has not been reported in the literature in individuals affected with PHKB-related conditions. This variant is present in population databases (no rsID available, gnomAD 0.003%). This sequence change replaces tyrosine, which is neutral and polar, with cysteine, which is neutral and slightly polar, at codon 181 of the PHKB protein (p.Tyr181Cys).

NM_000293.3(PHKB):c.542A>G (p.Tyr181Cys)

Gene: PHKB (phosphorylase kinase regulatory subunit beta; plus strand). Cytogenetic location: 16q12.1.
Variant type: single nucleotide variant.
Coding change: c.542A>G on transcript NM_000293.3 (MANE Select); coding-DNA position 542, A replaced by G.
Protein change: p.Tyr181Cys; replaces tyrosine 181 with cysteine.
Molecular consequence: missense variant.
Genome position (GRCh38, 1-based): chr16:47,515,549, A>G. VCF-style: chr16-47515549-A-G. GRCh37 (hg19) VCF-style: chr16-47549460-A-G.
Other names: c.521A>G, p.Tyr174Cys (NM_001031835.3); c.542A>G, p.Tyr181Cys (NM_001363837.1); short protein forms Y181C, Y174C.
Identifiers: ClinVar variation 2131225 (VCV002131225.4), dbSNP rs1381110962, ClinGen allele CA396100085.
Genomic context (GRCh38, chr16:47,515,549, plus strand): 5'-CTTTAACCTTTTAATGTTTCTGTTTGTTGCAGATAAATGCAGTGTCACTTTATCTCCTTT[A>G]CCTTGTGGAAATGATTTCCTCAGGACTCCAGATTATCTACAACACTGATGAGGTATGCTT-3'
Protein context (NP_000284.1, residues 171-191): QINAVSLYLL[Tyr181Cys]LVEMISSGLQ